The following is an entry in ClinVar:

NM_000426.4(LAMA2):c.1756_1757delinsCT (p.Ala586Leu)

Gene: LAMA2 (laminin subunit alpha 2; plus strand). Cytogenetic location: 6q22.33.
Variant type: Indel.
Coding change: c.1756_1757delinsCT on transcript NM_000426.4 (MANE Select); coding-DNA positions 1756 to 1757, GC replaced by CT.
Protein change: p.Ala586Leu; replaces alanine 586 with leucine.
Molecular consequence: missense variant.
Genome position (GRCh38, 1-based): chr6:129,192,827-129,192,828, GC replaced by CT. VCF-style: chr6-129192827-GC-CT. GRCh37 (hg19) VCF-style: chr6-129513972-GC-CT.
Other names: c.1756_1757delGCinsCT (NM_000426.3); c.1756_1757delinsCT (NM_000426.3); c.1756_1757delinsCT, p.Ala586Leu (NM_001079823.2); short protein forms A586L.
Identifiers: ClinVar variation 653060 (VCV000653060.4), dbSNP rs1583219966, ClinGen allele CA915943661.

ClinVar aggregate classification (germline): Uncertain significance. Review status: criteria provided, multiple submitters, no conflicts (2 of 4 stars). 2 submissions from 2 submitters: Uncertain significance (2). Last evaluated 2019-08-13.

Conditions:
LAMA2-related muscular dystrophy (LAMA2-RD). Also called: Laminin alpha 2-related dystrophy. Identifiers: MedGen C5679788, MONDO:0100228.

Submissions (2):

Revvity Omics, Revvity
Classification: Uncertain significance. Last evaluated: 2019-08-13. Review status: criteria provided, single submitter. Criteria: ACMG Guidelines, 2015. Collection method: clinical testing. Allele origin: germline.

Labcorp Genetics (formerly Invitae), Labcorp
Classification: Uncertain significance for Laminin alpha 2-related dystrophy. Last evaluated: 2018-10-29. Review status: criteria provided, single submitter. Criteria: Invitae Variant Classification Sherloc (09022015). Collection method: clinical testing. Allele origin: germline.
Comment: This sequence change replaces alanineÂ¬â€ with leucineÂ¬â€ at codon 586 of the LAMA2 protein (p.Ala586Leu). TheÂ¬â€ alanineÂ¬â€ residue is moderately conserved and there is a moderate physicochemical difference betweenÂ¬â€ alanineÂ¬â€ and leucine. This variant is not present in population databases (ExAC no frequency). This variant has not been reported in the literature in individuals with LAMA2-related disease. Algorithms developed to predict the effect of missense changes on protein structure and function are either unavailable or do not agree on the potential impact of this missense change (SIFT: "Deleterious"; PolyPhen-2: "Benign"; Align-GVGD: "Class C0"). In summary, the available evidence is currently insufficient to determine the role of this variant in disease. Therefore, it has been classified as a Variant of Uncertain Significance.